The following is an entry in ClinVar:

NM_001846.4(COL4A2):c.2890C>T (p.Pro964Ser)

Gene: COL4A2 (collagen type IV alpha 2 chain; plus strand). Cytogenetic location: 13q34.
Variant type: single nucleotide variant.
Coding change: c.2890C>T on transcript NM_001846.4 (MANE Select); coding-DNA position 2890, C replaced by T.
Protein change: p.Pro964Ser; replaces proline 964 with serine.
Molecular consequence: missense variant.
Genome position (GRCh38, 1-based): chr13:110,482,647, C>T. VCF-style: chr13-110482647-C-T. GRCh37 (hg19) VCF-style: chr13-111134994-C-T.
Other names: short protein forms P964S.
Identifiers: ClinVar variation 4882920 (VCV004882920.2).
Genomic context (GRCh38, chr13:110,482,647, plus strand): 5'-GGGAGCAAAGGCGAGGCTGGATTTTTCGGAATACCCGGTCTGAAGGGTCTGGCTGGTGAG[C>T]CAGGTTTTAAAGGTATGTCCCTCTCTTAACATCCTCCTTACCTGGTCATGGTGGCATCCT-3'
Protein context (NP_001837.2, residues 954-974): IPGLKGLAGE[Pro964Ser]GFKGSRGDPG

ClinVar aggregate classification (germline): Uncertain significance (1 of 4 stars; one submission).

gnomAD v4.1: 2 of 1,613,906 alleles (0.00012%); highest among the groups gnomAD compares: Non-Finnish European, 0.00017%; no homozygotes.

Submission:

Dasa
Classification: Uncertain significance. Last evaluated: 2025-01-20. Review status: criteria provided, single submitter. Criteria: DASA Assertion Criteria. Collection method: clinical testing. Allele origin: germline.
Comment: NM_001846.4(COL4A2):c.2890C>T (p.Pro964Ser) is a missense variant that results in the substitution of proline with serine. This variant is rare in population databases. The currently available literature and clinical evidence are not sufficient to establish a definitive association between this variant and the reported condition. Therefore, this variant is classified as a variant of uncertain significance.